The following is an entry in ClinVar:

NM_172107.4(KCNQ2):c.26G>C (p.Gly9Ala)

Gene: KCNQ2 (potassium voltage-gated channel subfamily Q member 2; minus strand). Cytogenetic location: 20q13.33.
Variant type: single nucleotide variant.
Coding change: c.26G>C on transcript NM_172107.4 (MANE Select); coding-DNA position 26, G replaced by C.
Protein change: p.Gly9Ala; replaces glycine 9 with alanine.
Molecular consequence: missense variant.
Genome position (GRCh38, 1-based): chr20:63,472,438, C>G on the plus strand (G>C on the coding strand, the complement: KCNQ2 is on the minus strand). VCF-style: chr20-63472438-C-G. GRCh37 (hg19) VCF-style: chr20-62103791-C-G.
Other names: c.26G>C, p.Gly9Ala (NM_001382235.1, NM_001439003.1, NM_001439004.1 and 4 more transcripts); short protein forms G9A.
Identifiers: ClinVar variation 4997855 (VCV004997855.1).
Genomic context (GRCh38, chr20:63,472,438, plus strand): 5'-GGGTCCAGCCCCACGAAGCCCACCTTCAGCTTCTTCTCCCCGCTCGGGCCGGGGTATACG[C>G]CGCCGTTGCGCGACTTCTGCACCATGGTGCCTGGCGGGAGGCGCCCCGGGTCGGGCTCAG-3'
Protein context (NP_742105.1, residues 1-19): MVQKSRNG[Gly9Ala]VYPGPSGEKK

ClinVar aggregate classification (germline): Uncertain significance (1 of 4 stars; one submission).

Conditions:
KCNQ2-Related Disorders. Also called: KCNQ2-related condition; KCNQ2-related disorder. Identifiers: MedGen CN169299.

gnomAD v4.1: 7 of 1,534,278 alleles (0.00046%); highest among the groups gnomAD compares: East Asian, 0.018%; no homozygotes.

Submission:

PreventionGenetics, part of Exact Sciences
Classification: Uncertain significance for KCNQ2-related condition. Last evaluated: 2024-10-11. Review status: criteria provided, single submitter. Criteria: ACMG Guidelines, 2015. Collection method: clinical testing. Allele origin: germline.
Comment: The KCNQ2 c.26G>C variant is predicted to result in the amino acid substitution p.Gly9Ala. To our knowledge, this variant has not been reported in the literature. This variant iis reported in 1 allele of 30,960 alleles in gnomAD. At this time, the clinical significance of this variant is uncertain due to the absence of conclusive functional and genetic evidence.